The following is an entry in ClinVar:

ClinVar aggregate classification (germline): Uncertain significance (1 of 4 stars; one submission).

Submission:

Labcorp Genetics (formerly Invitae), Labcorp
Classification: Uncertain significance. Last evaluated: 2022-11-28. Review status: criteria provided, single submitter. Criteria: Invitae Variant Classification Sherloc (09022015). Collection method: clinical testing. Allele origin: germline.
Comment: In summary, the available evidence is currently insufficient to determine the role of this variant in disease. Therefore, it has been classified as a Variant of Uncertain Significance. This sequence change replaces histidine, which is basic and polar, with proline, which is neutral and non-polar, at codon 298 of the TPP1 protein (p.His298Pro). This variant is not present in population databases (gnomAD no frequency). This variant has not been reported in the literature in individuals affected with TPP1-related conditions. Advanced modeling of protein sequence and biophysical properties (such as structural, functional, and spatial information, amino acid conservation, physicochemical variation, residue mobility, and thermodynamic stability) has been performed at Invitae for this missense variant, however the output from this modeling did not meet the statistical confidence thresholds required to predict the impact of this variant on TPP1 protein function.

NM_000391.4(TPP1):c.893A>C (p.His298Pro)

Gene: TPP1 (tripeptidyl peptidase 1; minus strand). Cytogenetic location: 11p15.4.
Variant type: single nucleotide variant.
Coding change: c.893A>C on transcript NM_000391.4 (MANE Select); coding-DNA position 893, A replaced by C.
Protein change: p.His298Pro; replaces histidine 298 with proline.
Molecular consequence: missense variant.
Genome position (GRCh38, 1-based): chr11:6,616,497, T>G on the plus strand (A>C on the coding strand, the complement: TPP1 is on the minus strand). VCF-style: chr11-6616497-T-G. GRCh37 (hg19) VCF-style: chr11-6637728-T-G.
Other names: short protein forms H298P.
Identifiers: ClinVar variation 3011062 (VCV003011062.3), dbSNP rs1855587823, ClinGen allele CA379474723.
Genomic context (GRCh38, chr11:6,616,497, plus strand): 5'-GGCAGGGCTGACTCATTACTGAGCAGCATGAGCCACTGCAGGAAGGGCTCCTGTCCCTCA[T>G]GCCGGCCTGGATTTTTTTTTTTTTTTTTTTTGAGGGATGGGCACAAAGATAGTCACTGGG-3'
Protein context (NP_000382.3, residues 288-308): STWVYSSPGR[His298Pro]EGQEPFLQWL